The following is an entry in ClinVar:

ClinVar aggregate classification (germline): Conflicting classifications of pathogenicity. Review status: criteria provided, conflicting classifications (1 of 4 stars). 3 submissions from 3 submitters: Uncertain significance (2); Likely benign (1). Last evaluated 2023-07-13.

Conditions:
Hereditary cancer-predisposing syndrome. Also called: Tumor predisposition; Neoplastic Syndromes, Hereditary; Hereditary Cancer Syndrome; Hereditary neoplastic syndrome. Identifiers: Orphanet 140162, MedGen C0027672, MeSH D009386, MONDO:0015356.

Submissions (3):

Quest Diagnostics Nichols Institute San Juan Capistrano
Classification: Uncertain significance. Last evaluated: 2023-07-13. Review status: criteria provided, single submitter. Criteria: Quest Diagnostics criteria. Collection method: clinical testing. Allele origin: unknown.
Comment: This variant has not been reported in the published literature. It also has not been reported in large, multi-ethnic general populations (Genome Aggregation Database). Analysis of this variant using bioinformatics tools for the prediction of the effect of amino acid changes on protein structure and function yielded predictions that this variant is benign. Based on the available information, we are unable to determine the clinical significance of this variant.

University of Washington Department of Laboratory Medicine, University of Washington
Classification: Likely benign for Hereditary cancer-predisposing syndrome. Last evaluated: 2023-03-23. Review status: criteria provided, single submitter. Criteria: Dines et al. (Genet Med. 2020). Collection method: curation. Allele origin: germline.
Comment: Missense variant in a coldspot region where missense variants are very unlikely to be pathogenic (PMID:31911673).

BRCA2 exon 11 coldspot. Reclassification based on statistical prior probability.

Ambry Genetics
Classification: Uncertain significance for Hereditary cancer-predisposing syndrome. Last evaluated: 2021-04-23. Review status: criteria provided, single submitter. Criteria: Ambry Variant Classification Scheme 2023. Collection method: clinical testing. Allele origin: germline.
Comment: The p.T774N variant (also known as c.2321C>A), located in coding exon 10 of the BRCA2 gene, results from a C to A substitution at nucleotide position 2321. The threonine at codon 774 is replaced by asparagine, an amino acid with similar properties. This amino acid position is poorly conserved in available vertebrate species. In addition, this alteration is predicted to be tolerated by in silico analysis. Since supporting evidence is limited at this time, the clinical significance of this alteration remains unclear.

Literature cited by the submitters: PubMed 31911673 (cited by Quest Diagnostics Nichols Institute San Juan Capistrano).

NM_000059.4(BRCA2):c.2321C>A (p.Thr774Asn)

Gene: BRCA2 (BRCA2 DNA repair associated; plus strand). Cytogenetic location: 13q13.1.
Variant type: single nucleotide variant.
Coding change: c.2321C>A on transcript NM_000059.4 (MANE Select); coding-DNA position 2321, C replaced by A.
Protein change: p.Thr774Asn; replaces threonine 774 with asparagine.
Molecular consequence: missense variant.
Genome position (GRCh38, 1-based): chr13:32,336,676, C>A. VCF-style: chr13-32336676-C-A. GRCh37 (hg19) VCF-style: chr13-32910813-C-A.
Other names: short protein forms T774N.
Identifiers: ClinVar variation 801095 (VCV000801095.7), dbSNP rs1239876081, ClinGen allele CA387771445.
Genomic context (GRCh38, chr13:32,336,676, plus strand): 5'-AATCCCAGAAAAGTCTTTTATATGATCATGAAAATGCCAGCACTCTTATTTTAACTCCTA[C>A]TTCCAAGGATGTTCTGTCAAACCTAGTCATGATTTCTAGAGGCAAAGAATCATACAAAAT-3'
Protein context (NP_000050.3, residues 764-784): ENASTLILTP[Thr774Asn]SKDVLSNLVM